The following is an entry in ClinVar:

ClinVar aggregate classification (germline): Uncertain significance (1 of 4 stars; one submission).

Conditions:
Combined immunodeficiency due to ORAI1 deficiency. Also called: IMMUNODEFICIENCY 9. Identifiers: Orphanet 169090, Orphanet 317428, MedGen C2748568, MONDO:0013007, OMIM 612782.
Myopathy, tubular aggregate, 2 (TAM2). Identifiers: MedGen C4014557, MONDO:0014383, OMIM 615883.

Submission:

Labcorp Genetics (formerly Invitae), Labcorp
Classification: Uncertain significance for Myopathy, tubular aggregate, 2; Combined immunodeficiency due to ORAI1 deficiency. Last evaluated: 2025-04-29. Review status: criteria provided, single submitter. Criteria: Invitae Variant Classification Sherloc (09022015). Collection method: clinical testing. Allele origin: germline.
Comment: This sequence change replaces alanine, which is neutral and non-polar, with threonine, which is neutral and polar, at codon 94 of the ORAI1 protein (p.Ala94Thr). This variant is not present in population databases (gnomAD no frequency). This variant has not been reported in the literature in individuals affected with ORAI1-related conditions. Experimental studies and prediction algorithms are not available or were not evaluated, and the functional significance of this variant is currently unknown. In summary, the available evidence is currently insufficient to determine the role of this variant in disease. Therefore, it has been classified as a Variant of Uncertain Significance.

NM_032790.4(ORAI1):c.280G>A (p.Ala94Thr)

Genes: ORAI1 (ORAI calcium release-activated calcium modulator 1; plus strand), LOC130008987 (ATAC-STARR-seq lymphoblastoid silent region 4981; plus strand). Cytogenetic location: 12q24.31.
Variant type: single nucleotide variant.
Coding change: c.280G>A on transcript NM_032790.4 (MANE Select); coding-DNA position 280, G replaced by A.
Protein change: p.Ala94Thr; replaces alanine 94 with threonine.
Molecular consequence: missense variant.
Genome position (GRCh38, 1-based): chr12:121,627,027, G>A. VCF-style: chr12-121627027-G-A.
Other names: short protein forms A94T.
Identifiers: ClinVar variation 4790528 (VCV004790528.1).
Genomic context (GRCh38, chr12:121,627,027, plus strand): 5'-CTGTCCTGGCGCAAGCTCTACTTGAGCCGCGCCAAGCTTAAAGCCTCCAGCCGGACCTCG[G>A]CTCTGCTCTCCGGCTTCGCCATGGTGAGCTCCGGCCGCCCTGCCCTGCCCCCTCTACTGT-3'
Protein context (NP_116179.2, residues 84-104): AKLKASSRTS[Ala94Thr]LLSGFAMVAM